The following is an entry in ClinVar:

NM_007194.4(CHEK2):c.895A>G (p.Ile299Val)

Gene: CHEK2 (checkpoint kinase 2; minus strand). Cytogenetic location: 22q12.1.
Variant type: single nucleotide variant.
Coding change: c.895A>G on transcript NM_007194.4 (MANE Select); coding-DNA position 895, A replaced by G.
Protein change: p.Ile299Val; replaces isoleucine 299 with valine.
Molecular consequence: missense variant.
Genome position (GRCh38, 1-based): chr22:28,703,518, T>C on the plus strand (A>G on the coding strand, the complement: CHEK2 is on the minus strand). VCF-style: chr22-28703518-T-C. GRCh37 (hg19) VCF-style: chr22-29099506-T-C.
Other names: c.1024A>G, p.Ile342Val (NM_001005735.3); c.232A>G, p.Ile78Val (NM_001257387.3); c.694A>G, p.Ile232Val (NM_001349956.3); c.895A>G, p.Ile299Val (NM_145862.3); short protein forms I299V, I342V, I232V, I78V.
Identifiers: ClinVar variation 460864 (VCV000460864.14), dbSNP rs1555916906, ClinGen allele CA411100992.

ClinVar aggregate classification (germline): Uncertain significance. Review status: criteria provided, multiple submitters, no conflicts (2 of 4 stars). 4 submissions from 4 submitters: Uncertain significance (4). Last evaluated 2025-02-11.

Conditions:
Hereditary cancer-predisposing syndrome. Also called: Neoplastic Syndromes, Hereditary; Hereditary Cancer Syndrome; Hereditary neoplastic syndrome; Tumor predisposition. Identifiers: Orphanet 140162, MedGen C0027672, MeSH D009386, MONDO:0015356.
Familial cancer of breast. Also called: hereditary breast carcinoma; Hereditary breast cancer; BREAST CANCER, FAMILIAL. Identifiers: Orphanet 227535, MedGen C0346153, MONDO:0016419, OMIM 114480. Disease mechanism: loss of function.

Allele frequency attached by ClinVar (database versions not stated): TOPMed below 0.00001.

Submissions (4):

Quest Diagnostics Nichols Institute San Juan Capistrano
Classification: Uncertain significance. Last evaluated: 2025-02-11. Review status: criteria provided, single submitter. Criteria: Quest Diagnostics criteria. Collection method: clinical testing. Allele origin: unknown.
Comment: The CHEK2 c.895A>G (p.Ile299Val) variant has not been reported in individuals with CHEK2-related conditions in the published literature. It also has not been reported in large, multi-ethnic general populations (Genome Aggregation Database). Analysis of this variant using bioinformatics tools for the prediction of the effect of amino acid changes on protein structure and function yielded predictions that this variant is benign. Based on the available information, we are unable to determine the clinical significance of this variant.

Ambry Genetics
Classification: Uncertain significance for Hereditary cancer-predisposing syndrome. Last evaluated: 2023-12-19. Review status: criteria provided, single submitter. Criteria: Ambry Variant Classification Scheme 2023. Collection method: clinical testing. Allele origin: germline.
Comment: The p.I299V variant (also known as c.895A>G), located in coding exon 7 of the CHEK2 gene, results from an A to G substitution at nucleotide position 895. The isoleucine at codon 299 is replaced by valine, an amino acid with highly similar properties. This amino acid position is conserved. In addition, the in silico prediction for this alteration is inconclusive. Since supporting evidence is limited at this time, the clinical significance of this alteration remains unclear.

Labcorp Genetics (formerly Invitae), Labcorp
Classification: Uncertain significance for Familial cancer of breast. Last evaluated: 2023-09-10. Review status: criteria provided, single submitter. Criteria: Invitae Variant Classification Sherloc (09022015). Collection method: clinical testing. Allele origin: germline.
Comment: This variant is not present in population databases (gnomAD no frequency). In summary, the available evidence is currently insufficient to determine the role of this variant in disease. Therefore, it has been classified as a Variant of Uncertain Significance. An algorithm developed to predict the effect of missense changes on protein structure and function (PolyPhen-2) suggests that this variant is likely to be tolerated. ClinVar contains an entry for this variant (Variation ID: 460864). This variant has not been reported in the literature in individuals affected with CHEK2-related conditions. This sequence change replaces isoleucine, which is neutral and non-polar, with valine, which is neutral and non-polar, at codon 299 of the CHEK2 protein (p.Ile299Val).

Blueprint Genetics
Classification: Uncertain significance. Last evaluated: 2021-09-08. Review status: criteria provided, single submitter. Criteria: ACMG Guidelines, 2015. Collection method: clinical testing. Allele origin: germline.